The following is an entry in ClinVar:

NM_004304.5(ALK):c.334G>A (p.Ala112Thr)

Gene: ALK (ALK receptor tyrosine kinase; minus strand). Cytogenetic location: 2p23.1.
Variant type: single nucleotide variant.
Coding change: c.334G>A on transcript NM_004304.5 (MANE Select); coding-DNA position 334, G replaced by A.
Protein change: p.Ala112Thr; replaces alanine 112 with threonine.
Molecular consequence: missense variant.
Genome position (GRCh38, 1-based): chr2:29,920,326, C>T on the plus strand (G>A on the coding strand, the complement: ALK is on the minus strand). VCF-style: chr2-29920326-C-T. GRCh37 (hg19) VCF-style: chr2-30143192-C-T.
Other names: short protein forms A112T.
Identifiers: ClinVar variation 855320 (VCV000855320.12), dbSNP rs1060500227, ClinGen allele CA346590240.

ClinVar aggregate classification (germline): Uncertain significance. Review status: criteria provided, multiple submitters, no conflicts (2 of 4 stars). 2 submissions from 2 submitters: Uncertain significance (2). Last evaluated 2026-01-07.

Conditions:
Hereditary cancer-predisposing syndrome. Also called: Hereditary neoplastic syndrome; Tumor predisposition; Neoplastic Syndromes, Hereditary; Hereditary Cancer Syndrome. Identifiers: Orphanet 140162, MedGen C0027672, MeSH D009386, MONDO:0015356.
Neuroblastoma, susceptibility to, 3. Also called: ALK-Related Neuroblastic Tumor Susceptibility. Identifiers: Orphanet 635, MedGen C2751681, MONDO:0013083, OMIM 613014.

Allele frequency attached by ClinVar (database versions not stated): gnomAD exomes below 0.00001; TOPMed below 0.00001.
gnomAD v4.1: 3 of 1,553,764 alleles (0.00019%); highest among the groups gnomAD compares: Non-Finnish European, 0.00026%; no homozygotes.

Submissions (2):

Labcorp Genetics (formerly Invitae), Labcorp
Classification: Uncertain significance for Neuroblastoma, susceptibility to, 3. Last evaluated: 2026-01-07. Review status: criteria provided, single submitter. Criteria: Invitae Variant Classification Sherloc (09022015). Collection method: clinical testing. Allele origin: germline.
Comment: This sequence change replaces alanine, which is neutral and non-polar, with threonine, which is neutral and polar, at codon 112 of the ALK protein (p.Ala112Thr). This variant is not present in population databases (gnomAD no frequency). This variant has not been reported in the literature in individuals affected with ALK-related conditions. ClinVar contains an entry for this variant (Variation ID: 855320). An algorithm developed to predict the effect of missense changes on protein structure and function (PolyPhen-2) suggests that this variant is likely to be tolerated. In summary, the available evidence is currently insufficient to determine the role of this variant in disease. Therefore, it has been classified as a Variant of Uncertain Significance.

Ambry Genetics
Classification: Uncertain significance for Hereditary cancer-predisposing syndrome. Last evaluated: 2025-08-30. Review status: criteria provided, single submitter. Criteria: Ambry Variant Classification Scheme 2023. Collection method: clinical testing. Allele origin: germline.
Comment: The p.A112T variant (also known as c.334G>A), located in coding exon 1 of the ALK gene, results from a G to A substitution at nucleotide position 334. The alanine at codon 112 is replaced by threonine, an amino acid with similar properties. This amino acid position is conserved. In addition, this alteration is predicted to be tolerated by in silico analysis. Since supporting evidence is limited at this time, the clinical significance of this alteration remains unclear.